The following is an entry in ClinVar:

NM_004958.4(MTOR):c.7159A>G (p.Met2387Val)

Gene: MTOR (mechanistic target of rapamycin kinase; minus strand). Cytogenetic location: 1p36.22.
Variant type: single nucleotide variant.
Coding change: c.7159A>G on transcript NM_004958.4 (MANE Select); coding-DNA position 7159, A replaced by G.
Protein change: p.Met2387Val; replaces methionine 2387 with valine.
Molecular consequence: missense variant.
Genome position (GRCh38, 1-based): chr1:11,114,818, T>C on the plus strand (A>G on the coding strand, the complement: MTOR is on the minus strand). VCF-style: chr1-11114818-T-C. GRCh37 (hg19) VCF-style: chr1-11174875-T-C.
Other names: c.7159A>G, p.Met2387Val (NM_001386500.1); c.5911A>G, p.Met1971Val (NM_001386501.1); short protein forms M1971V, M2387V.
Identifiers: ClinVar variation 1305528 (VCV001305528.3), dbSNP rs2100320592, ClinGen allele CA338381547.

ClinVar aggregate classification (germline): Uncertain significance (1 of 4 stars; one submission).

Allele frequency attached by ClinVar (database versions not stated): gnomAD exomes below 0.00001.
gnomAD v4.1: 1 of 1,614,136 alleles (0.000062%); highest among the groups gnomAD compares: Non-Finnish European, 0.000085%; no homozygotes.

Submission:

GeneDx
Classification: Uncertain significance. Last evaluated: 2024-08-01. Review status: criteria provided, single submitter. Criteria: GeneDx Variant Classification Process June 2021. Collection method: clinical testing. Allele origin: germline. Affected: yes.
Comment: Not observed at significant frequency in large population cohorts (gnomAD); In silico analysis supports that this missense variant has a deleterious effect on protein structure/function; Has not been previously published as pathogenic or benign to our knowledge